The following is an entry in ClinVar:

NM_014844.5(TECPR2):c.1869G>A (p.Gly623=)

Gene: TECPR2 (tectonin beta-propeller repeat containing 2; plus strand). Cytogenetic location: 14q32.31.
Variant type: single nucleotide variant.
Coding change: c.1869G>A on transcript NM_014844.5 (MANE Select); coding-DNA position 1869, G replaced by A.
Protein change: p.Gly623=; no amino-acid change (glycine 623 retained).
Molecular consequence: synonymous variant.
Genome position (GRCh38, 1-based): chr14:102,434,686, G>A. VCF-style: chr14-102434686-G-A. GRCh37 (hg19) VCF-style: chr14-102901023-G-A.
Other names: p.Gly623=; c.1869G>A, p.Gly623= (NM_001172631.3).
Identifiers: ClinVar variation 380901 (VCV000380901.16), dbSNP rs45605932, ClinGen allele CA7357802.

ClinVar aggregate classification (germline): Benign. Review status: criteria provided, multiple submitters, no conflicts (2 of 4 stars). 6 submissions from 6 submitters: Benign (5). 1 of the submissions does not count toward it. Last evaluated 2026-02-04.

Conditions:
Hereditary spastic paraplegia 49 (HSAN9). Also called: Spastic paraplegia 49, autosomal recessive; NEUROPATHY, HEREDITARY SENSORY AND AUTONOMIC, TYPE IX, WITH DEVELOPMENTAL DELAY; TECPR2-Related Hereditary Sensory and Autonomic Neuropathy with Intellectual Disability. Identifiers: Orphanet 320385, MedGen C5190860, MONDO:0014016, OMIM 615031.

Allele frequency attached by ClinVar (database versions not stated): gnomAD exomes 0.07803; ExAC 0.08604; 1000 Genomes Project 0.10323; 1000 Genomes Project 30x 0.10743; gnomAD 0.12155 and 0.12774; TOPMed 0.12466; ESP Exome Variant Server 0.13701.
gnomAD v4.1: 135,875 of 1,612,844 alleles (8.4%); highest among the groups gnomAD compares: African/African-American, 25%; 7,064 homozygotes.

Submissions (6):

Labcorp Genetics (formerly Invitae), Labcorp
Classification: Benign for Hereditary spastic paraplegia 49. Last evaluated: 2026-02-04. Review status: criteria provided, single submitter. Criteria: Invitae Variant Classification Sherloc (09022015). Collection method: clinical testing. Allele origin: germline.

Genome-Nilou Lab
Classification: Benign for Hereditary spastic paraplegia 49. Last evaluated: 2021-07-10. Review status: criteria provided, single submitter. Criteria: ACMG Guidelines, 2015. Collection method: clinical testing. Allele origin: germline. Affected: no.

Mayo Clinic Laboratories, Mayo Clinic
Classification: Benign. Last evaluated: 2017-08-21. Review status: criteria provided, single submitter. Criteria: ACMG Guidelines, 2015. Collection method: clinical testing. Allele origin: germline. Observed: 143 variant alleles.

GeneDx
Classification: Benign. Last evaluated: 2016-01-22. Review status: criteria provided, single submitter. Criteria: GeneDx Variant Classification (06012015). Collection method: clinical testing. Allele origin: germline. Affected: yes.
Comment: This variant is considered likely benign or benign based on one or more of the following criteria: it is a conservative change, it occurs at a poorly conserved position in the protein, it is predicted to be benign by multiple in silico algorithms, and/or has population frequency not consistent with disease.

Breakthrough Genomics
Classification: Benign. Review status: criteria provided, single submitter. Criteria: ACMG Guidelines, 2015. Collection method: not provided. Allele origin: germline. Inheritance: Autosomal recessive inheritance. Affected: yes.

Natera, Inc.
Classification: Benign for Autosomal recessive spastic paraplegia type 49. Last evaluated: 2020-09-16. Review status: no assertion criteria provided. Collection method: clinical testing. Allele origin: germline. Not counted in ClinVar's aggregate classification.